The following is an entry in ClinVar:

NM_001267550.2(TTN):c.87118+5G>C

Genes: TTN (titin; minus strand), TTN-AS1 (TTN antisense RNA 1; plus strand). Cytogenetic location: 2q31.2.
Variant type: single nucleotide variant.
Coding change: c.87118+5G>C on transcript NM_001267550.2 (MANE Select); 5 bases into the intron after coding-DNA position 87118, G replaced by C.
Molecular consequence: intron variant.
Genome position (GRCh38, 1-based): chr2:178,558,336, C>G on the plus strand (G>C on the coding strand, the complement: TTN is on the minus strand). VCF-style: chr2-178558336-C-G. GRCh37 (hg19) VCF-style: chr2-179423063-C-G.
Other names: c.59923+5G>C (NM_003319.4); c.60499+5G>C (NM_133437.4); c.60298+5G>C (NM_133432.3); c.79414+5G>C (NM_133378.4); c.82195+5G>C (NM_001256850.1).
Identifiers: ClinVar variation 3812236 (VCV003812236.1).

ClinVar aggregate classification (germline): Uncertain significance (1 of 4 stars; one submission).

Conditions:
Cardiovascular phenotype. Identifiers: MedGen CN230736.

Submission:

Ambry Genetics
Classification: Uncertain significance for Cardiovascular phenotype. Last evaluated: 2025-01-17. Review status: criteria provided, single submitter. Criteria: Ambry Variant Classification Scheme 2023. Collection method: clinical testing. Allele origin: germline.
Comment: The c.59923+5G>C intronic variant results from a G to C substitution 5 nucleotides after coding exon 154 in the TTN gene. This nucleotide position is well conserved in available vertebrate species. In silico splice site analysis predicts that this alteration will not have any significant effect on splicing. Based on the available evidence, the clinical significance of this variant remains unclear.